The following is an entry in ClinVar:

ClinVar aggregate classification (germline): Likely benign (0 of 4 stars; one submission).

Conditions:
P2RX1-related disorder. Also called: P2RX1-related condition.

Allele frequency attached by ClinVar (database versions not stated): 1000 Genomes Project 0.00140; 1000 Genomes Project 30x 0.00172; ESP Exome Variant Server 0.00177.
gnomAD v4.1: 567 of 1,613,616 alleles (0.035%); highest among the groups gnomAD compares: African/African-American, 0.64%; 3 homozygotes.

Submission:

PreventionGenetics, part of Exact Sciences
Classification: Likely benign for P2RX1-related condition. Last evaluated: 2020-01-06. Review status: no assertion criteria provided. Collection method: clinical testing. Allele origin: germline.
Comment: This variant is classified as likely benign based on ACMG/AMP sequence variant interpretation guidelines (Richards et al. 2015 PMID: 25741868, with internal and published modifications).

NM_002558.4(P2RX1):c.72G>A (p.Val24=)

Gene: P2RX1 (purinergic receptor P2X 1; minus strand). Cytogenetic location: 17p13.2.
Variant type: single nucleotide variant.
Coding change: c.72G>A on transcript NM_002558.4 (MANE Select); coding-DNA position 72, G replaced by A.
Protein change: p.Val24=; no amino-acid change (valine 24 retained).
Molecular consequence: synonymous variant.
Genome position (GRCh38, 1-based): chr17:3,916,154, C>T on the plus strand (G>A on the coding strand, the complement: P2RX1 is on the minus strand). VCF-style: chr17-3916154-C-T. GRCh37 (hg19) VCF-style: chr17-3819448-C-T.
Identifiers: ClinVar variation 3037761 (VCV003037761.2), dbSNP rs138831466, ClinGen allele CA8296516.